The following is an entry in ClinVar:

NM_001035.3(RYR2):c.20G>A (p.Gly7Asp)

Gene: RYR2 (ryanodine receptor 2; plus strand). Cytogenetic location: 1q43.
Variant type: single nucleotide variant.
Coding change: c.20G>A on transcript NM_001035.3 (MANE Select); coding-DNA position 20, G replaced by A.
Protein change: p.Gly7Asp; replaces glycine 7 with aspartic acid.
Molecular consequence: missense variant.
Genome position (GRCh38, 1-based): chr1:237,042,541, G>A. VCF-style: chr1-237042541-G-A. GRCh37 (hg19) VCF-style: chr1-237205841-G-A.
Other names: c.20G>A (NM_001035.2); short protein forms G7D.
Identifiers: ClinVar variation 3070006 (VCV003070006.2), dbSNP rs1660036173, ClinGen allele CA345654178.

ClinVar aggregate classification (germline): Uncertain significance. Review status: criteria provided, multiple submitters, no conflicts (2 of 4 stars). 2 submissions from 2 submitters: Uncertain significance (2). Last evaluated 2023-12-11.

Conditions:
Catecholaminergic polymorphic ventricular tachycardia (CVPT). Also called: Catecholamine-induced polymorphic ventricular tachycardia. Identifiers: Orphanet 3286, MedGen C5574922, MONDO:0017990.

Allele frequency attached by ClinVar (database versions not stated): gnomAD 0.00001.

Submissions (2):

GeneDx
Classification: Uncertain significance. Last evaluated: 2023-12-11. Review status: criteria provided, single submitter. Criteria: GeneDx Variant Classification Process June 2021. Collection method: clinical testing. Allele origin: germline. Affected: yes.
Comment: Not observed at significant frequency in large population cohorts (gnomAD); In silico analysis supports that this missense variant has a deleterious effect on protein structure/function; Has not been previously published as pathogenic or benign to our knowledge; Not located in one of the three hot-spot regions of the RYR2 gene, where the majority of pathogenic missense variants occur (PMID: 19926015); This variant is associated with the following publications: (PMID: 19926015)

All of Us Research Program, National Institutes of Health
Classification: Uncertain significance for Catecholaminergic polymorphic ventricular tachycardia. Last evaluated: 2023-03-28. Review status: criteria provided, single submitter. Criteria: ACMG Guidelines, 2015. Collection method: clinical testing. Allele origin: germline. Inheritance: Autosomal dominant inheritance. Observed: 1 variant allele, 1 heterozygote.
Comment: This study involves interpretation of variants in research participants for the purpose of population health screening. Participant phenotype was not available at the time of variant classification. Additional details can be found in publication PMID: 35346344, PMCID: PMC8962531